The following is an entry in ClinVar:

ClinVar aggregate classification (germline): Uncertain significance (1 of 4 stars; one submission).

Allele frequency attached by ClinVar (database versions not stated): gnomAD exomes below 0.00001.
gnomAD v4.1: 1 of 1,613,570 alleles (0.000062%); highest among the groups gnomAD compares: Non-Finnish European, 0.000085%; no homozygotes.

Submission:

GeneDx
Classification: Uncertain significance. Last evaluated: 2023-02-02. Review status: criteria provided, single submitter. Criteria: GeneDx Variant Classification Process June 2021. Collection method: clinical testing. Allele origin: germline. Affected: yes.
Comment: Not observed at significant frequency in large population cohorts (gnomAD); In silico analysis supports a deleterious effect on splicing; Has not been previously published as pathogenic or benign to our knowledge

NM_001148.6(ANK2):c.1881+4A>T

Gene: ANK2 (ankyrin 2; plus strand). Cytogenetic location: 4q26.
Variant type: single nucleotide variant.
Coding change: c.1881+4A>T on transcript NM_001148.6 (MANE Select); 4 bases into the intron after coding-DNA position 1881, A replaced by T.
Molecular consequence: intron variant.
Genome position (GRCh38, 1-based): chr4:113,278,562, A>T. VCF-style: chr4-113278562-A-T. GRCh37 (hg19) VCF-style: chr4-114199718-A-T.
Other names: c.1869+4A>T (NM_001386186.2, NM_001386148.2); c.1671+4A>T (NM_001354269.3); c.1845+4A>T (NM_001386187.2); c.1839+4A>T (NM_001386147.1, NM_001386160.1, NM_001354261.2); c.1818+4A>T (NM_001354254.2, NM_001354239.2, NM_001354252.2 and 10 more transcripts); c.1881+4A>T (NM_001354225.2, NM_001354235.2, NM_001354246.2 and 6 more transcripts); c.1719+627A>T (NM_001354253.2, NM_001354270.2, NM_001354257.2 and 1 more transcripts); c.1782+627A>T (NM_001354245.2, NM_001354268.2); and 8 more.
Identifiers: ClinVar variation 2576789 (VCV002576789.1), dbSNP rs2495329419, ClinGen allele CA2578172486.